The following is an entry in ClinVar:

NM_000070.3(CAPN3):c.468C>G (p.Ile156Met)

Genes: CAPN3 (calpain 3; plus strand), LOC126862115 (BRD4-independent group 4 enhancer GRCh37_chr15:42677734-42678933; plus strand). Cytogenetic location: 15q15.1.
Variant type: single nucleotide variant.
Coding change: c.468C>G on transcript NM_000070.3 (MANE Select); coding-DNA position 468, C replaced by G.
Protein change: p.Ile156Met; replaces isoleucine 156 with methionine.
Molecular consequence: missense variant.
Genome position (GRCh38, 1-based): chr15:42,386,255, C>G. VCF-style: chr15-42386255-C-G. GRCh37 (hg19) VCF-style: chr15-42678453-C-G.
Other names: c.468C>G, p.Ile156Met (NM_024344.2, NM_173087.2); c.207C>G, p.Ile69Met (NM_212464.2); c.*161C>G (NM_212467.2); short protein forms I156M, I69M.
Identifiers: ClinVar variation 2962444 (VCV002962444.3), dbSNP rs143942248, ClinGen allele CA391997655.

ClinVar aggregate classification (germline): Uncertain significance (1 of 4 stars; one submission).

Conditions:
Autosomal recessive limb-girdle muscular dystrophy type 2A (LGMDR1). Also called: LEYDEN-MOEBIUS MUSCULAR DYSTROPHY; MUSCULAR DYSTROPHY, PELVOFEMORAL; Limb-girdle muscular dystrophy, type 2A; Calpainopathy; Muscular dystrophy, limb-girdle, type 2A, Amish. Identifiers: Orphanet 267, MedGen C1869123, MONDO:0009675, OMIM 253600. Disease mechanism: loss of function.

Submission:

Labcorp Genetics (formerly Invitae), Labcorp
Classification: Uncertain significance for Autosomal recessive limb-girdle muscular dystrophy type 2A. Last evaluated: 2024-04-01. Review status: criteria provided, single submitter. Criteria: Invitae Variant Classification Sherloc (09022015). Collection method: clinical testing. Allele origin: germline.
Comment: This sequence change replaces isoleucine, which is neutral and non-polar, with methionine, which is neutral and non-polar, at codon 156 of the CAPN3 protein (p.Ile156Met). This variant is not present in population databases (gnomAD no frequency). This variant has not been reported in the literature in individuals affected with CAPN3-related conditions. Advanced modeling of protein sequence and biophysical properties (such as structural, functional, and spatial information, amino acid conservation, physicochemical variation, residue mobility, and thermodynamic stability) performed at Invitae indicates that this missense variant is not expected to disrupt CAPN3 protein function with a negative predictive value of 80%. In summary, the available evidence is currently insufficient to determine the role of this variant in disease. Therefore, it has been classified as a Variant of Uncertain Significance.